The following is an entry in ClinVar:

ClinVar aggregate classification (germline): Pathogenic (1 of 4 stars; one submission).

Conditions:
Cardiac anomalies - developmental delay - facial dysmorphism syndrome (MRFACD). Also called: MED13L Syndrome; Impaired intellectual development and distinctive facial features with or without cardiac defects. Identifiers: Orphanet 369891, MedGen C5192431, MONDO:0014773, OMIM 616789.

Submission:

GeneDx
Classification: Pathogenic. Last evaluated: 2017-02-13. Review status: criteria provided, single submitter. Criteria: GeneDx Variant Classification (06012015). Collection method: clinical testing. Allele origin: germline. Affected: yes.
Comment: The c.2911_2914delCTGT variant in the MED13L gene has not been reported previously as a pathogenic variant nor as a benign variant, to our knowledge. The c.2911_2914delCTGT variant causes a frameshift starting with codon Leucine 971, changes this amino acid to a Phenylalanine residue, and creates a premature Stop codon at position 36 of the new reading frame, denoted p.Leu971PhefsX36. This variant is predicted to cause loss of normal protein function either through protein truncation or nonsense-mediated mRNA decay. The c.2911_2914delCTGT variant is not observed in large population cohorts (Lek et al., 2016; 1000 Genomes Consortium et al., 2015; Exome Variant Server). We interpret c.2911_2914delCTGT as a pathogenic variant.

NM_015335.5(MED13L):c.2911_2914del (p.Leu971fs)

Gene: MED13L (mediator complex subunit 13L; minus strand). Cytogenetic location: 12q24.21.
Variant type: Microsatellite.
Coding change: c.2911_2914del on transcript NM_015335.5 (MANE Select); coding-DNA positions 2911 to 2914, 4 bases deleted (CTGT; older notation c.2911_2914delCTGT).
Protein change: p.Leu971fs; shifts the reading frame from leucine 971.
Molecular consequence: frameshift variant.
Genome position (GRCh38, 1-based): chr12:115,996,558-115,996,561, ACAG deleted on the plus strand (CTGT on the coding strand, the reverse complement: MED13L is on the minus strand); deleting any 4 consecutive bases within chr12:115,996,558-115,996,565 gives the same sequence; the c. name uses the placement nearest the transcript's 3' end. VCF-style (leftmost placement, unchanged base first): chr12-115996557-AACAG-A. GRCh37 (hg19) VCF-style: chr12-116434362-AACAG-A.
Other names: c.2911_2914delCTGT (NM_015335.4); short protein forms L971fs.
Identifiers: ClinVar variation 423751 (VCV000423751.4), dbSNP rs1064796611, ClinGen allele CA16619442.